The following continues an entry in ClinVar:

NM_000059.4(BRCA2):c.7988A>T (p.Glu2663Val)

Gene: BRCA2. ClinVar aggregate classification (germline): Pathogenic. Pathogenic (1).

Submissions 17 to 26 of 29:

Women's Health and Genetics/Laboratory Corporation of America, LabCorp
Classification: Pathogenic for Hereditary breast ovarian cancer syndrome. Last evaluated: 2022-05-17. Review status: criteria provided, single submitter. Criteria: LabCorp Variant Classification Summary - May 2015. Collection method: clinical testing. Allele origin: germline. Not counted in ClinVar's aggregate classification.
Comment: Variant summary: BRCA2 c.7988A>T (p.Glu2663Val) results in a non-conservative amino acid change located in the Breast cancer type 2 susceptibility protein, helical domain (IPR015252) of the encoded protein sequence. Five of five in-silico tools predict a damaging effect of the variant on protein function. Several computational tools predict a significant impact on normal splicing: Three predict the variant creates a 5' donor site. Multiple publications report evidence from quantitative isoform-specific RT-PCR, cDNA sequencing, and single-cell RNA in situ hybridisation experiments demonstrating that this variant affects mRNA splicing (Farrugia,_2008 Fraile-Bethencourt_2017, Lattimore_2019). However, these reports suggest that c.7988A>T only affects splicing in a proportion of mRNA transcripts and the wild-type transcript is still produced. Several studies have provided experimental evidence on the impact of the variant on protein function. The p.Glu2663Val amino acid change was shown to disrupt BRCA2 homology-directed repair activity, increase centrosome amplification, and had an inability to rescue the lethality of BRCA2-deficient ES-cells (Kuznetsov,_2008, Walker_2010). The variant was absent in 250238 control chromosomes. c.7988A>T has been reported in the literature in multiple individuals affected with Hereditary Breast And Ovarian Cancer Syndrome and has segregated with the disease in several families (example, Kuznetsov,_2008). These data indicate that the variant is very likely to be associated with disease. Eight clinical diagnostic laboratories and two expert panels have submitted clinical-significance assessments for this variant to ClinVar after 2014 without evidence for independent evaluation. All classified the variant as pathogenic/likely pathogenic. Based on the evidence outlined above, the variant was classified as pathogenic.

Sema4
Classification: Pathogenic for Hereditary cancer-predisposing syndrome. Last evaluated: 2022-02-13. Review status: criteria provided, single submitter. Criteria: Sema4 Curation Guidelines. Collection method: curation. Allele origin: germline. Not counted in ClinVar's aggregate classification.
Comment: The BRCA2 c.7988A>T (p.E2663V) variant has been reported in heterozygosity in multiple individuals with breast cancer and pancreatic ductal adenocarcinoma (PMID: 16489001, 34399810, 33758026, 25452441, among others). It has been reported in a large case-control study of breast cancer in 4/60466 cases and 2/53461 controls (PMID: 33471991). Functional studies have shown the mutant protein to be incapable of complementing BRCA2-deficiency in mouse embryonic stem cells (PMID: 18607349) and to exhibit reduced homologous DNA repair activity (PMID: 20513136). This missense change has also been shown to increase the naturally occurring skipping of exon 18 that is expected to result in an absent or disrupted protein product (PMID: 18451181, 20215541, 28339459). Variant determined to have a high probability of being disease-causing by multifactorial likelihood analysis (PMID: 21990134, 18451181, 19043619). It is also known as c.8216A>T in the literature. Loss of function variants in BRCA2 are known to be pathogenic (PMID: 29446198). This variant is not reported in the population database Genome Aggregation Database (PMID: 32461654). This variant has been reported in ClinVar (Variation ID: 52462). In silico tools suggest the impact of the variant on protein function is deleterious. Based on the current evidence available, this variant is interpreted as pathogenic.

Laboratory for Molecular Medicine, Mass General Brigham Personalized Medicine
Classification: Pathogenic for Hereditary breast ovarian cancer syndrome. Last evaluated: 2021-05-14. Review status: criteria provided, single submitter. Criteria: ACMG Guidelines, 2015. Collection method: clinical testing. Allele origin: germline. Inheritance: Autosomal dominant inheritance. Not counted in ClinVar's aggregate classification.
Comment: The p.Glu2663Val variant in BRCA2 has been reported in at least 15 individuals with BRCA2-associated cancers (BIC database:, Szabo 2000, Chevenix-Trench 2006, Borg 2010, Akbari 2011, Color pers. comm., Ambry pers. comm.) and segregated with breast and ovarian cancer in at least 1 affected family member (Color pers. comm.). It was absent from large population studies. In vitro functional studies suggest that this variant impacts protein function (Kuznetsov 2008, Farrugia 2008, Sanz 2010, Walker 2010, Whiley 2014, Fraile-Bethencourt 2017). Computational prediction tools and conservation analysis also support that the p.Glu2663Val variant impacts the protein. In addition, this variant was classified as pathogenic on August 10, 2015 by the ClinGen-approved ENIGMA expert panel (ClinVar SCV000244478.1). In summary, the p.Glu2663Val variant meets criteria to be classified as pathogenic for autosomal dominant hereditary breast and ovarian cancer. ACMG/AMP Criteria applied (Richards 2015): PS4, PS3, PM2_Supporting, PP3.

Genetics and Molecular Pathology, SA Pathology
Classification: Pathogenic for Breast-ovarian cancer, familial, susceptibility to, 2. Last evaluated: 2020-09-30. Review status: criteria provided, single submitter. Criteria: ACMG Guidelines, 2015. Collection method: clinical testing. Allele origin: germline. Affected: yes. Not counted in ClinVar's aggregate classification.
Comment: The BRCA2 c.7988A>T variant is classified as Pathogenic (PS3, PS4, PP3, PP5) The BRCA2 c.7988A>T variant is a single nucleotide change in the BRCA2 gene, which is predicted to change the amino acid glutamic acid at position 2663 in the protein to valine. The variant has been reported in probands with a clinical presentation of breast and/or ovarian cancer (PMID:29446198) (PS4). Well-established functional studies show a deleterious effect of this variant (PMID:20513136) (PS3). Computational predictions support a deleterious effect on the gene or gene product (PP3). Splicing predicitors predict abberrant splicing (introduction of donor site), resulting in exon skipping (exon19). The variant has been reported in dbSNP (rs80359031) and has been reported as Pathogenic by other diagnostic laboratories (ClinVar Variation ID: 52462).

ARUP Laboratories, Molecular Genetics and Genomics, ARUP Laboratories
Classification: Pathogenic. Last evaluated: 2019-05-23. Review status: criteria provided, single submitter. Criteria: ARUP Molecular Germline Variant Investigation Process. Collection method: clinical testing. Allele origin: germline. Not counted in ClinVar's aggregate classification.
Comment: The BRCA2 c.7988A>T; p.Glu2663Val variant (rs80359031), also known as 8216A>T, is reported in the literature in multiple individuals affected with breast and ovarian cancer (Akbari 2011, Borg 2010, Chenevix-Trench 2006, Couch 2015). Functional analyses demonstrate aberrant splicing, reduced protein function, and a failure to rescue a mouse knockout cell line (Farrugia 2008, Fraile-Bethencourt 2017, Kuznetsov 2008, Sanz 2010, Walker 2010). This variant is reported as pathogenic by multiple laboratories in ClinVar (Variation ID: 52462), and is absent from general population databases (Exome Variant Server, Genome Aggregation Database), indicating it is not a common polymorphism. The glutamic acid at codon 2663 is highly conserved, and computational analyses (SIFT, PolyPhen-2) predict that this variant is deleterious. Based on available information, this variant is considered to be pathogenic. References: Akbari MR et al. Clinical impact of unclassified variants of the BRCA1 and BRCA2 genes. J Med Genet. 2011 Nov;48(11):783-6. Borg A et al. Characterization of BRCA1 and BRCA2 deleterious mutations and variants of unknown clinical significance in unilateral and bilateral breast cancer: the WECARE study. Hum Mutat. 2010 Mar;31(3):E1200-40. Chenevix-Trench G et al. Genetic and histopathologic evaluation of BRCA1 and BRCA2 DNA sequence variants of unknown clinical significance. Cancer Res. 2006 Feb 15;66(4):2019-27. Couch FJ et al. Inherited mutations in 17 breast cancer susceptibility genes among a large triple-negative breast cancer cohort unselected for family history of breast cancer. J Clin Oncol. 2015 Feb 1;33(4):304-11. Farrugia DJ et al. Functional assays for classification of BRCA2 variants of uncertain significance. Cancer Res. 2008 May 1;68(9):3523-31. Fraile-Bethencourt E et al. Functional classification of DNA variants by hybrid minigenes: Identification of 30 spliceogenic variants of BRCA2 exons 17 and 18. PLoS Genet. 2017 Mar 24;13(3):e1006691. Kuznetsov SG et al. Mouse embryonic stem cell-based functional assay to evaluate mutations in BRCA2. Nat Med. 2008 Aug;14(8):875-81. Sanz DJ et al. A high proportion of DNA variants of BRCA1 and BRCA2 is associated with aberrant splicing in breast/ovarian cancer patients. Clin Cancer Res. 2010 Mar 15;16(6):1957-67. Walker LC et al. Detection of splicing aberrations caused by BRCA1 and BRCA2 sequence variants encoding missense substitutions: implications for prediction of pathogenicity. Hum Mutat. 2010 Jun;31(6):E1484-505.

Fulgent Genetics
Classification: Pathogenic for Familial cancer of breast; Medulloblastoma; Familial prostate cancer; Wilms tumor 1; Fanconi anemia complementation group D1; Breast-ovarian cancer, familial, susceptibility to, 2; Glioma susceptibility 3; Pancreatic cancer, susceptibility to, 2. Last evaluated: 2018-10-31. Review status: criteria provided, single submitter. Criteria: ACMG Guidelines, 2015. Collection method: clinical testing. Allele origin: unknown. Not counted in ClinVar's aggregate classification.

CHEO Genetics Diagnostic Laboratory, Children's Hospital of Eastern Ontario
Classification: Pathogenic for Breast and/or ovarian cancer. Last evaluated: 2016-01-28. Review status: criteria provided, single submitter. Criteria: ACMG Guidelines, 2015. Collection method: clinical testing. Allele origin: germline. Study: Canadian Open Genetics Repository. Not counted in ClinVar's aggregate classification.

Consortium of Investigators of Modifiers of BRCA1/2 (CIMBA), c/o University of Cambridge
Classification: Pathogenic for Breast-ovarian cancer, familial, susceptibility to, 2. Last evaluated: 2015-10-02. Review status: criteria provided, single submitter. Criteria: CIMBA Mutation Classification guidelines May 2016. Collection method: clinical testing. Allele origin: germline. Not counted in ClinVar's aggregate classification.

Research Molecular Genetics Laboratory, Women's College Hospital, University of Toronto
Classification: Pathogenic for Hereditary breast ovarian cancer syndrome. Last evaluated: 2014-01-31. Review status: no assertion criteria provided. Collection method: research. Allele origin: germline. Affected: yes. Study: The Canadian Open Genetics Repository (COGR). Not counted in ClinVar's aggregate classification.

Sharing Clinical Reports Project (SCRP)
Classification: Pathogenic for Breast-ovarian cancer, familial 2. Last evaluated: 2012-02-24. Review status: no assertion criteria provided. Collection method: clinical testing. Allele origin: germline. Not counted in ClinVar's aggregate classification.